The following is an entry in ClinVar:

NM_002755.4(MAP2K1):c.602G>A (p.Arg201His)

Gene: MAP2K1 (mitogen-activated protein kinase kinase 1; plus strand). Cytogenetic location: 15q22.31.
Variant type: single nucleotide variant.
Coding change: c.602G>A on transcript NM_002755.4 (MANE Select); coding-DNA position 602, G replaced by A.
Protein change: p.Arg201His; replaces arginine 201 with histidine.
Molecular consequence: missense variant.
Genome position (GRCh38, 1-based): chr15:66,481,788, G>A. VCF-style: chr15-66481788-G-A. GRCh37 (hg19) VCF-style: chr15-66774126-G-A.
Other names: c.458G>A, p.Arg153His (NM_001411065.1); short protein forms R153H, R201H.
Identifiers: ClinVar variation 1810126 (VCV001810126.1), dbSNP rs2140667506, ClinGen allele CA392936181.

ClinVar aggregate classification (germline): Uncertain significance (1 of 4 stars; one submission).

Allele frequency attached by ClinVar (database versions not stated): gnomAD exomes below 0.00001.

Submission:

GeneDx
Classification: Uncertain significance. Last evaluated: 2022-06-27. Review status: criteria provided, single submitter. Criteria: GeneDx Variant Classification Process June 2021. Collection method: clinical testing. Allele origin: germline. Affected: yes.
Comment: Not observed at significant frequency in large population cohorts (gnomAD); Missense variants in this gene are often considered pathogenic (HGMD); In silico analysis supports that this missense variant has a deleterious effect on protein structure/function; Has not been previously reported as a germline variant associated with disease to our knowledge; This variant is associated with the following publications: (PMID: 22327936, 18186519, 25683705, 35158933, 22753777)